The following is an entry in ClinVar:

ClinVar aggregate classification (germline): Likely benign. Review status: criteria provided, multiple submitters, no conflicts (2 of 4 stars). 5 submissions from 5 submitters: Likely benign (5). Last evaluated 2026-01-08.

Conditions:
Cardiovascular phenotype. Identifiers: MedGen CN230736.
Telangiectasia, hereditary hemorrhagic, type 2 (HHT2). Also called: Telangiectasia, hereditary hemorrhagic, type II; ACVRL1-Related Hereditary Hemorrhagic Telangiectasia. Identifiers: Orphanet 774, MedGen C1838163, MONDO:0010880, OMIM 600376. Disease mechanism: loss of function.

Allele frequency attached by ClinVar (database versions not stated): 1000 Genomes Project 30x 0.00016; 1000 Genomes Project 0.00020; gnomAD 0.00031 and 0.00034; TOPMed 0.00038; ESP Exome Variant Server 0.00046.
gnomAD v4.1: 338 of 1,614,160 alleles (0.021%); highest among the groups gnomAD compares: African/African-American, 0.069%; no homozygotes.

Submissions (5):

Labcorp Genetics (formerly Invitae), Labcorp
Classification: Likely benign for Telangiectasia, hereditary hemorrhagic, type 2. Last evaluated: 2026-01-08. Review status: criteria provided, single submitter. Criteria: Invitae Variant Classification Sherloc (09022015). Collection method: clinical testing. Allele origin: germline.

Mayo Clinic Laboratories, Mayo Clinic
Classification: Likely benign. Last evaluated: 2025-02-17. Review status: criteria provided, single submitter. Criteria: ACMG Guidelines, 2015. Collection method: clinical testing. Allele origin: germline. Observed: 2 variant alleles.
Comment: BP4, BP7

Blueprint Genetics
Classification: Likely benign. Last evaluated: 2024-09-03. Review status: criteria provided, single submitter. Criteria: ACMG Guidelines, 2015. Collection method: clinical testing. Allele origin: germline.

ARUP Laboratories, Molecular Genetics and Genomics, ARUP Laboratories
Classification: Likely benign. Last evaluated: 2018-03-22. Review status: criteria provided, single submitter. Criteria: ARUP Molecular Germline Variant Investigation Process. Collection method: clinical testing. Allele origin: germline.
Comment: The ACVRL1 c.666C>T; p.His222His variant (rs377194545) is reported in the medical literature as a polymorphism (Prigoda 2006). This variant is found in the general population with an overall frequency of 0.02% (47/276262 alleles) in the Genome Aggregation Database. This is a synonymous change, the nucleotide is weakly conserved, and computational algorithms (Alamut v2.11) do not predict this variant to impact splicing. Based on available information, this variant is considered likely benign. REFERENCES Prigoda NL et al. Hereditary haemorrhagic telangiectasia: mutation detection, test sensitivity and novel mutations. J Med Genet. 2006 Sep;43(9):722-8.

Ambry Genetics
Classification: Likely benign for Cardiovascular phenotype. Last evaluated: 2015-12-24. Review status: criteria provided, single submitter. Criteria: Ambry Variant Classification Scheme 2023. Collection method: clinical testing. Allele origin: germline.

Literature cited by the submitters: PubMed 16690726 (cited by Mayo Clinic Laboratories, Mayo Clinic).

NM_000020.3(ACVRL1):c.666C>T (p.His222=)

Gene: ACVRL1 (activin A receptor like type 1; plus strand). Cytogenetic location: 12q13.13.
Variant type: single nucleotide variant.
Coding change: c.666C>T on transcript NM_000020.3 (MANE Select); coding-DNA position 666, C replaced by T.
Protein change: p.His222=; no amino-acid change (histidine 222 retained).
Molecular consequence: synonymous variant.
Genome position (GRCh38, 1-based): chr12:51,914,479, C>T. VCF-style: chr12-51914479-C-T. GRCh37 (hg19) VCF-style: chr12-52308263-C-T.
Other names: p.His222=; c.666C>T, p.His222= (NM_001077401.2).
Identifiers: ClinVar variation 618514 (VCV000618514.21), dbSNP rs377194545, ClinGen allele CA6572969.